The following is an entry in ClinVar:

ClinVar aggregate classification (germline): Pathogenic (1 of 4 stars; one submission).

Conditions:
Primary ciliary dyskinesia. Also called: Ciliary dyskinesia. Identifiers: Orphanet 244, MedGen C0008780, MONDO:0016575, HP:0012265.

Submission:

Labcorp Genetics (formerly Invitae), Labcorp
Classification: Pathogenic for Primary ciliary dyskinesia. Last evaluated: 2020-10-14. Review status: criteria provided, single submitter. Criteria: Invitae Variant Classification Sherloc (09022015). Collection method: clinical testing. Allele origin: germline.
Comment: This variant results in the deletion of exon(s) 4 and part of exon 5 (c.278-225_442delinsTGTTTTCTTAAAACA) of the DNAH5 gene. It is expected to disrupt RNA splicing and likely results in an absent or disrupted protein product. This variant has been observed in individual(s) with clinical features of primary ciliary dyskinesia (Invitae). In at least one individual the data is consistent with the variant being in trans (on the opposite chromosome) from a pathogenic variant. Loss-of-function variants in DNAH5 are known to be pathogenic (PMID: 11788826, 16627867). For these reasons, this variant has been classified as Pathogenic.

Literature cited by the submitters: PubMed 11788826; PubMed 16627867.

NC_000005.9:g.(?_13922434)_13923774del

Gene: DNAH5 (dynein axonemal heavy chain 5; minus strand).
Variant type: Deletion.
Identifiers: ClinVar variation 1075616 (VCV001075616.2).